The following is an entry in ClinVar:

ClinVar aggregate classification (germline): Uncertain significance (1 of 4 stars; one submission).

Allele frequency attached by ClinVar (database versions not stated): ExAC 0.00001; gnomAD 0.00005; TOPMed 0.00005; ESP Exome Variant Server 0.00009.

Submission:

GeneDx
Classification: Uncertain significance. Last evaluated: 2024-03-22. Review status: criteria provided, single submitter. Criteria: GeneDx Variant Classification Process June 2021. Collection method: clinical testing. Allele origin: germline. Affected: yes.
Comment: Not observed at significant frequency in large population cohorts (gnomAD); In silico analysis supports that this missense variant has a deleterious effect on protein structure/function; Has not been previously published as pathogenic or benign to our knowledge

NM_004541.4(NDUFA1):c.77T>C (p.Ile26Thr)

Genes: NDUFA1 (NADH:ubiquinone oxidoreductase subunit A1; plus strand), LOC130068621 (ATAC-STARR-seq lymphoblastoid active region 29902; plus strand). Cytogenetic location: Xq24.
Variant type: single nucleotide variant.
Coding change: c.77T>C on transcript NM_004541.4 (MANE Select); coding-DNA position 77, T replaced by C.
Protein change: p.Ile26Thr; replaces isoleucine 26 with threonine.
Molecular consequence: missense variant.
Genome position (GRCh38, 1-based): chrX:119,871,988, T>C. VCF-style: chrX-119871988-T-C. GRCh37 (hg19) VCF-style: chrX-119005951-T-C.
Other names: short protein forms I26T.
Identifiers: ClinVar variation 2506730 (VCV002506730.2), dbSNP rs145647521, ClinGen allele CA10503529.